The following is an entry in ClinVar:

NM_006182.4(DDR2):c.2038C>T (p.Arg680Cys)

Gene: DDR2 (discoidin domain receptor tyrosine kinase 2; plus strand). Cytogenetic location: 1q23.3.
Variant type: single nucleotide variant.
Coding change: c.2038C>T on transcript NM_006182.4 (MANE Select); coding-DNA position 2038, C replaced by T.
Protein change: p.Arg680Cys; replaces arginine 680 with cysteine.
Molecular consequence: missense variant.
Genome position (GRCh38, 1-based): chr1:162,775,833, C>T. VCF-style: chr1-162775833-C-T. GRCh37 (hg19) VCF-style: chr1-162745623-C-T.
Other names: c.2038C>T, p.Arg680Cys (NM_001014796.3, NM_001354982.2, NM_001354983.2); short protein forms R680C.
Identifiers: ClinVar variation 4691488 (VCV004691488.1).

ClinVar aggregate classification (germline): Uncertain significance (1 of 4 stars; one submission).

gnomAD v4.1: 25 of 1,613,880 alleles (0.0015%); highest among the groups gnomAD compares: South Asian, 0.011%; no homozygotes.

Submission:

Labcorp Genetics (formerly Invitae), Labcorp
Classification: Uncertain significance. Last evaluated: 2025-09-03. Review status: criteria provided, single submitter. Criteria: Invitae Variant Classification Sherloc (09022015). Collection method: clinical testing. Allele origin: germline.
Comment: This sequence change replaces arginine, which is basic and polar, with cysteine, which is neutral and slightly polar, at codon 680 of the DDR2 protein (p.Arg680Cys). This variant is present in population databases (rs572243397, gnomAD 0.03%). This variant has not been reported in the literature in individuals affected with DDR2-related conditions. An algorithm developed to predict the effect of missense changes on protein structure and function (PolyPhen-2) suggests that this variant is likely to be tolerated. In summary, the available evidence is currently insufficient to determine the role of this variant in disease. Therefore, it has been classified as a Variant of Uncertain Significance.